The following is an entry in ClinVar:

ClinVar aggregate classification (germline): Uncertain significance (1 of 4 stars; one submission).

Conditions:
Hereditary cancer-predisposing syndrome. Also called: Neoplastic Syndromes, Hereditary; Hereditary neoplastic syndrome; Tumor predisposition; Hereditary Cancer Syndrome. Identifiers: Orphanet 140162, MedGen C0027672, MeSH D009386, MONDO:0015356.

Submission:

Ambry Genetics
Classification: Uncertain significance for Hereditary cancer-predisposing syndrome. Last evaluated: 2024-07-03. Review status: criteria provided, single submitter. Criteria: Ambry Variant Classification Scheme 2023. Collection method: clinical testing. Allele origin: germline.
Comment: The p.L2255R variant (also known as c.6764T>G), located in coding exon 45 of the ATM gene, results from a T to G substitution at nucleotide position 6764. The leucine at codon 2255 is replaced by arginine, an amino acid with dissimilar properties. This amino acid position is highly conserved in available vertebrate species. In addition, this alteration is predicted to be deleterious by in silico analysis. Based on the available evidence, the clinical significance of this variant remains unclear.

NM_000051.4(ATM):c.6764T>G (p.Leu2255Arg)

Genes: C11orf65 (chromosome 11 open reading frame 65; minus strand), ATM (ATM serine/threonine kinase; plus strand). Cytogenetic location: 11q22.3.
Variant type: single nucleotide variant.
Coding change: c.6764T>G on transcript NM_000051.4 (MANE Select); coding-DNA position 6764, T replaced by G.
Protein change: p.Leu2255Arg; replaces leucine 2255 with arginine.
Molecular consequence: missense variant. On other transcripts: intron variant (2).
Genome position (GRCh38, 1-based): chr11:108,325,501, T>G. VCF-style: chr11-108325501-T-G. GRCh37 (hg19) VCF-style: chr11-108196228-T-G.
Other names: c.6764T>G, p.Leu2255Arg (NM_001351834.2); c.641-16430A>C (NM_001330368.2); c.*38+9719A>C (NM_001351110.2); short protein forms L2255R.
Identifiers: ClinVar variation 231111 (VCV000231111.8), dbSNP rs876658966, ClinGen allele CA10579234.